The following is an entry in ClinVar:

NM_005188.4(CBL):c.2153+2T>C

Gene: CBL (Cbl proto-oncogene; plus strand). Cytogenetic location: 11q23.3.
Variant type: single nucleotide variant.
Coding change: c.2153+2T>C on transcript NM_005188.4 (MANE Select); the canonical splice donor site of the intron after coding-DNA position 2153, T replaced by C.
Molecular consequence: splice donor variant.
Genome position (GRCh38, 1-based): chr11:119,297,036, T>C. VCF-style: chr11-119297036-T-C. GRCh37 (hg19) VCF-style: chr11-119167746-T-C.
Identifiers: ClinVar variation 4723447 (VCV004723447.1).

ClinVar aggregate classification (germline): Uncertain significance (1 of 4 stars; one submission).

Conditions:
RASopathy. Also called: rasopathies; Noonan spectrum disorder. Identifiers: Orphanet 536391, MedGen C5555857, MONDO:0021060.

Submission:

Labcorp Genetics (formerly Invitae), Labcorp
Classification: Uncertain significance for RASopathy. Last evaluated: 2025-07-23. Review status: criteria provided, single submitter. Criteria: Invitae Variant Classification Sherloc (09022015). Collection method: clinical testing. Allele origin: germline.
Comment: This sequence change affects a donor splice site in intron 13 of the CBL gene. It is expected to disrupt RNA splicing. Variants that disrupt the donor or acceptor splice site typically lead to a loss of protein function (PMID: 16199547), however the current clinical and genetic evidence is not sufficient to establish whether loss-of-function variants in CBL cause disease. This variant is not present in population databases (gnomAD no frequency). This variant has not been reported in the literature in individuals affected with CBL-related conditions. Algorithms developed to predict the effect of sequence changes on RNA splicing suggest that this variant may disrupt the consensus splice site. In summary, the available evidence is currently insufficient to determine the role of this variant in disease. Therefore, it has been classified as a Variant of Uncertain Significance.

Literature cited by the submitters: PubMed 16199547.